The following is an entry in ClinVar:

ClinVar aggregate classification (germline): Conflicting classifications of pathogenicity. Review status: criteria provided, conflicting classifications (1 of 4 stars). 7 submissions from 7 submitters: Uncertain significance (4); Benign (1); Likely benign (2). Last evaluated 2026-01-21.

Conditions:
TSC1-related disorder. Also called: TSC1-related condition.
Hereditary cancer-predisposing syndrome. Also called: Tumor predisposition; Hereditary neoplastic syndrome; Neoplastic Syndromes, Hereditary; Hereditary Cancer Syndrome. Identifiers: Orphanet 140162, MedGen C0027672, MeSH D009386, MONDO:0015356.
Tuberous sclerosis syndrome (TSC). Also called: Tuberous Sclerosis Complex; Tuberous sclerosis. Identifiers: Orphanet 805, MedGen C0041341, MONDO:0001734.
Tuberous sclerosis 1 (TSC1). Identifiers: Orphanet 805, MedGen C1854465, MONDO:0008612, OMIM 191100.

Allele frequency attached by ClinVar (database versions not stated): gnomAD exomes below 0.00001 and 0.00003; gnomAD 0.00001; TOPMed 0.00002.
gnomAD v4.1: 38 of 1,614,014 alleles (0.0024%); highest among the groups gnomAD compares: African/African-American, 0.004%; no homozygotes.

Submissions (7):

Labcorp Genetics (formerly Invitae), Labcorp
Classification: Benign for Tuberous sclerosis 1. Last evaluated: 2026-01-21. Review status: criteria provided, single submitter. Criteria: Invitae Variant Classification Sherloc (09022015). Collection method: clinical testing. Allele origin: germline.

PreventionGenetics, part of Exact Sciences
Classification: Uncertain significance for TSC1-related condition. Last evaluated: 2025-06-23. Review status: criteria provided, single submitter. Criteria: ACMG Guidelines, 2015. Collection method: clinical testing. Allele origin: germline.
Comment: The TSC1 c.1975G>A variant is predicted to result in the amino acid substitution p.Ala659Thr. To our knowledge, this variant has not been reported in the literature. This variant is reported in 0.0033% of alleles in individuals of South Asian descent in gnomAD and in ClinVar this variant has conflicting interpretations of pathogenicity ranging from uncertain to benign. Although we suspect this variant may be benign, at this time, the clinical significance of this variant is uncertain due to the absence of conclusive functional and genetic evidence.

St. Jude Molecular Pathology, St. Jude Children's Research Hospital
Classification: Uncertain significance for Tuberous sclerosis 1. Last evaluated: 2024-08-28. Review status: criteria provided, single submitter. Criteria: St. Jude Assertion Criteria 2020. Collection method: clinical testing. Allele origin: germline.
Comment: The TSC1 c.1975G>A (p.Ala659Thr) missense change has a maximum subpopulation frequency of 0.0033% in gnomAD v2.1.1. The in silico tool REVEL is inconclusive about a pathogenic or benign effect of this variant on protein function, and to our knowledge functional studies have not been performed. To our knowledge, this variant has not been reported in individuals with tuberous sclerosis complex in the literature. In summary, the evidence currently available is insufficient to determine the clinical significance of this variant. It has therefore been classified as of uncertain significance.

All of Us Research Program, National Institutes of Health
Classification: Uncertain significance for Tuberous sclerosis syndrome. Last evaluated: 2024-03-05. Review status: criteria provided, single submitter. Criteria: ACMG Guidelines, 2015. Collection method: clinical testing. Allele origin: germline. Inheritance: Autosomal dominant inheritance. Observed: 6 variant alleles, 6 heterozygotes.
Comment: This missense variant replaces alanine with threonine at codon 659 of the TSC1 protein. Computational prediction suggests that this variant may not impact protein structure and function (internally defined REVEL score threshold <= 0.5, PMID: 27666373). To our knowledge, functional studies have not been reported for this variant. This variant has not been reported in individuals affected with TSC1-related disorders in the literature. This variant has been identified in 1/251162 chromosomes in the general population by the Genome Aggregation Database (gnomAD). The available evidence is insufficient to determine the role of this variant in disease conclusively. Therefore, this variant is classified as a Variant of Uncertain Significance.

This study involves interpretation of variants in research participants for the purpose of population health screening. Participant phenotype was not available at the time of variant classification. Additional details can be found in publication PMID: 35346344, PMCID: PMC8962531

Color Diagnostics, LLC DBA Color Health
Classification: Uncertain significance for Tuberous sclerosis syndrome. Last evaluated: 2023-11-15. Review status: criteria provided, single submitter. Criteria: ACMG Guidelines, 2015. Collection method: clinical testing. Allele origin: germline.
Comment: This missense variant replaces alanine with threonine at codon 659 of the TSC1 protein. Computational prediction suggests that this variant may not impact protein structure and function. To our knowledge, functional studies have not been reported for this variant. This variant has not been reported in individuals affected with TSC1-related disorders in the literature. This variant has been identified in 1/251162 chromosomes in the general population by the Genome Aggregation Database (gnomAD). The available evidence is insufficient to determine the role of this variant in disease conclusively. Therefore, this variant is classified as a Variant of Uncertain Significance.

Ambry Genetics
Classification: Likely benign for Hereditary cancer-predisposing syndrome. Last evaluated: 2022-09-16. Review status: criteria provided, single submitter. Criteria: Ambry Variant Classification Scheme 2023. Collection method: clinical testing. Allele origin: germline.

Genome-Nilou Lab
Classification: Likely benign for Tuberous sclerosis 1. Last evaluated: 2021-11-07. Review status: criteria provided, single submitter. Criteria: ACMG Guidelines, 2015. Collection method: clinical testing. Allele origin: germline. Affected: no.

NM_000368.5(TSC1):c.1975G>A (p.Ala659Thr)

Gene: TSC1 (TSC complex subunit 1; minus strand). Cytogenetic location: 9q34.13.
Variant type: single nucleotide variant.
Coding change: c.1975G>A on transcript NM_000368.5 (MANE Select); coding-DNA position 1975, G replaced by A.
Protein change: p.Ala659Thr; replaces alanine 659 with threonine.
Molecular consequence: missense variant.
Genome position (GRCh38, 1-based): chr9:132,905,603, C>T on the plus strand (G>A on the coding strand, the complement: TSC1 is on the minus strand). VCF-style: chr9-132905603-C-T. GRCh37 (hg19) VCF-style: chr9-135780990-C-T.
Other names: c.1972G>A, p.Ala658Thr (NM_001162426.2); c.1822G>A, p.Ala608Thr (NM_001162427.2); c.1612G>A, p.Ala538Thr (NM_001362177.2); short protein forms A659T, A538T, A608T, A658T.
Identifiers: ClinVar variation 466054 (VCV000466054.24), dbSNP rs914628341, ClinGen allele CA200888114.